The following is an entry in ClinVar:

ClinVar aggregate classification (germline): Uncertain significance (1 of 4 stars; one submission).

Conditions:
Hereditary cancer-predisposing syndrome. Also called: Hereditary neoplastic syndrome; Tumor predisposition; Hereditary Cancer Syndrome; Neoplastic Syndromes, Hereditary. Identifiers: Orphanet 140162, MedGen C0027672, MeSH D009386, MONDO:0015356.

Submission:

Ambry Genetics
Classification: Uncertain significance for Hereditary cancer-predisposing syndrome. Last evaluated: 2023-07-16. Review status: criteria provided, single submitter. Criteria: Ambry Variant Classification Scheme 2023. Collection method: clinical testing. Allele origin: germline.
Comment: The p.N871D variant (also known as c.2611A>G), located in coding exon 15 of the ALK gene, results from an A to G substitution at nucleotide position 2611. The asparagine at codon 871 is replaced by aspartic acid, an amino acid with highly similar properties. This amino acid position is conserved. In addition, this alteration is predicted to be tolerated by in silico analysis. Since supporting evidence is limited at this time, the clinical significance of this alteration remains unclear.

NM_004304.5(ALK):c.2611A>G (p.Asn871Asp)

Gene: ALK (ALK receptor tyrosine kinase; minus strand). Cytogenetic location: 2p23.2.
Variant type: single nucleotide variant.
Coding change: c.2611A>G on transcript NM_004304.5 (MANE Select); coding-DNA position 2611, A replaced by G.
Protein change: p.Asn871Asp; replaces asparagine 871 with aspartic acid.
Molecular consequence: missense variant.
Genome position (GRCh38, 1-based): chr2:29,232,325, T>C on the plus strand (A>G on the coding strand, the complement: ALK is on the minus strand). VCF-style: chr2-29232325-T-C. GRCh37 (hg19) VCF-style: chr2-29455191-T-C.
Other names: short protein forms N871D.
Identifiers: ClinVar variation 2586686 (VCV002586686.2), dbSNP rs2465986143, ClinGen allele CA346471570.